The following is an entry in ClinVar:

NM_000245.4(MET):c.3489A>T (p.Gly1163=)

Gene: MET (MET proto-oncogene, receptor tyrosine kinase; plus strand). Cytogenetic location: 7q31.2.
Variant type: single nucleotide variant.
Coding change: c.3489A>T on transcript NM_000245.4 (MANE Select); coding-DNA position 3489, A replaced by T.
Protein change: p.Gly1163=; no amino-acid change (glycine 1163 retained).
Molecular consequence: synonymous variant.
Genome position (GRCh38, 1-based): chr7:116,778,924, A>T. VCF-style: chr7-116778924-A-T. GRCh37 (hg19) VCF-style: chr7-116418978-A-T.
Other names: c.3543A>T (LRG_662t1, NM_001127500.2); c.3543A>T, p.Gly1181= (NM_001127500.3); c.2199A>T, p.Gly733= (NM_001324402.2).
Identifiers: ClinVar variation 411879 (VCV000411879.16), dbSNP rs753101831, ClinGen allele CA4448730.

ClinVar aggregate classification (germline): Benign/Likely benign. Review status: criteria provided, multiple submitters, no conflicts (2 of 4 stars). 4 submissions from 4 submitters: Benign (1); Likely benign (2). 1 of the submissions does not count toward it. Last evaluated 2025-12-10.

Conditions:
MET-related disorder. Also called: MET-related condition.
Renal cell carcinoma. Identifiers: Orphanet 217071, MedGen C0007134, MeSH D002292, MONDO:0005086, HP:0005584.
Hereditary cancer-predisposing syndrome. Also called: Tumor predisposition; Hereditary Cancer Syndrome; Hereditary neoplastic syndrome; Neoplastic Syndromes, Hereditary. Identifiers: Orphanet 140162, MedGen C0027672, MeSH D009386, MONDO:0015356.
Papillary renal cell carcinoma type 1 (RCCP1). Also called: RENAL CELL CARCINOMA, PAPILLARY, 1, SOMATIC; Renal adenocarcinoma; Renal cell carcinoma 1; Renal cell carcinoma, somatic. Identifiers: Orphanet 47044, MedGen C1336839, OMIM 605074, HP:0011797.

Allele frequency attached by ClinVar (database versions not stated): gnomAD exomes 0.00001 and 0.00004; ExAC 0.00002; TOPMed 0.00004.
gnomAD v4.1: 10 of 1,613,972 alleles (0.00062%); highest among the groups gnomAD compares: Admixed American, 0.015%; no homozygotes.

Submissions (4):

Labcorp Genetics (formerly Invitae), Labcorp
Classification: Likely benign for Renal cell carcinoma. Last evaluated: 2025-12-10. Review status: criteria provided, single submitter. Criteria: Invitae Variant Classification Sherloc (09022015). Collection method: clinical testing. Allele origin: germline.

Myriad Genetics, Inc.
Classification: Benign for Papillary renal cell carcinoma type 1. Last evaluated: 2024-11-13. Review status: criteria provided, single submitter. Criteria: Myriad Autosomal Dominant, Autosomal Recessive and X-Linked Classification Criteria (2023). Collection method: clinical testing. Allele origin: unknown.
Comment: This variant is considered benign. This variant is a silent/synonymous amino acid change and it is not expected to impact splicing.

Ambry Genetics
Classification: Likely benign for Hereditary cancer-predisposing syndrome. Last evaluated: 2017-05-26. Review status: criteria provided, single submitter. Criteria: Ambry Variant Classification Scheme 2023. Collection method: clinical testing. Allele origin: germline.

PreventionGenetics, part of Exact Sciences
Classification: Likely benign for MET-related condition. Last evaluated: 2022-01-06. Review status: no assertion criteria provided. Collection method: clinical testing. Allele origin: germline. Not counted in ClinVar's aggregate classification.
Comment: This variant is classified as likely benign based on ACMG/AMP sequence variant interpretation guidelines (Richards et al. 2015 PMID: 25741868, with internal and published modifications).